The following is an entry in ClinVar:

NM_022828.5(YTHDC2):c.3519T>G (p.Ser1173=)

Gene: YTHDC2 (YTH N6-methyladenosine RNA binding protein C2; plus strand). Cytogenetic location: 5q22.2.
Variant type: single nucleotide variant.
Coding change: c.3519T>G on transcript NM_022828.5 (MANE Select); coding-DNA position 3519, T replaced by G.
Protein change: p.Ser1173=; no amino-acid change (serine 1173 retained).
Molecular consequence: synonymous variant.
Genome position (GRCh38, 1-based): chr5:113,581,581, T>G. VCF-style: chr5-113581581-T-G. GRCh37 (hg19) VCF-style: chr5-112917278-T-G.
Other names: c.3033T>G, p.Ser1011= (NM_001345975.2); c.2619T>G, p.Ser873= (NM_001345976.2).
Identifiers: ClinVar variation 3060456 (VCV003060456.2), dbSNP rs11748794, ClinGen allele CA3372482.

ClinVar aggregate classification (germline): Benign (0 of 4 stars; one submission).

Conditions:
YTHDC2-related disorder. Also called: YTHDC2-related condition.

Allele frequency attached by ClinVar (database versions not stated): ESP Exome Variant Server 0.20440; 1000 Genomes Project 0.20587; gnomAD 0.21244; 1000 Genomes Project 30x 0.21440; TOPMed 0.22959.
gnomAD v4.1: 281,164 of 1,613,770 alleles (17%); highest among the groups gnomAD compares: Admixed American, 42%; 27,811 homozygotes.

Submission:

PreventionGenetics, part of Exact Sciences
Classification: Benign for YTHDC2-related condition. Last evaluated: 2019-10-18. Review status: no assertion criteria provided. Collection method: clinical testing. Allele origin: germline.
Comment: This variant is classified as benign based on ACMG/AMP sequence variant interpretation guidelines (Richards et al. 2015 PMID: 25741868, with internal and published modifications).